The following is an entry in ClinVar:

ClinVar aggregate classification (germline): Uncertain significance. Review status: criteria provided, multiple submitters, no conflicts (2 of 4 stars). 2 submissions from 2 submitters: Uncertain significance (2). Last evaluated 2025-08-13.

Conditions:
Cardiovascular phenotype. Identifiers: MedGen CN230736.
Long QT syndrome (LQTS). Identifiers: MedGen C0023976, MeSH D008133, MONDO:0002442. Disease mechanism: loss of function. Inheritance: Various modes of inheritance.

Allele frequency attached by ClinVar (database versions not stated): gnomAD exomes below 0.00001; gnomAD 0.00001; TOPMed 0.00001.
gnomAD v4.1: 5 of 1,613,844 alleles (0.00031%); highest among the groups gnomAD compares: Non-Finnish European, 0.00042%; no homozygotes.

Submissions (2):

Labcorp Genetics (formerly Invitae), Labcorp
Classification: Uncertain significance for Long QT syndrome. Last evaluated: 2025-08-13. Review status: criteria provided, single submitter. Criteria: Invitae Variant Classification Sherloc (09022015). Collection method: clinical testing. Allele origin: germline.
Comment: This sequence change replaces asparagine, which is neutral and polar, with tyrosine, which is neutral and polar, at codon 2496 of the AKAP9 protein (p.Asn2496Tyr). This variant is not present in population databases (gnomAD no frequency). This variant has not been reported in the literature in individuals affected with AKAP9-related conditions. ClinVar contains an entry for this variant (Variation ID: 1016182). An algorithm developed to predict the effect of missense changes on protein structure and function (PolyPhen-2) suggests that this variant is likely to be tolerated. In summary, the available evidence is currently insufficient to determine the role of this variant in disease. Therefore, it has been classified as a Variant of Uncertain Significance.

Ambry Genetics
Classification: Uncertain significance for Cardiovascular phenotype. Last evaluated: 2023-02-23. Review status: criteria provided, single submitter. Criteria: Ambry Variant Classification Scheme 2023. Collection method: clinical testing. Allele origin: germline.

NM_005751.5(AKAP9):c.7486A>T (p.Asn2496Tyr)

Gene: AKAP9 (A-kinase anchoring protein 9; plus strand). Cytogenetic location: 7q21.2.
Variant type: single nucleotide variant.
Coding change: c.7486A>T on transcript NM_005751.5 (MANE Select); coding-DNA position 7486, A replaced by T.
Protein change: p.Asn2496Tyr; replaces asparagine 2496 with tyrosine.
Molecular consequence: missense variant.
Genome position (GRCh38, 1-based): chr7:92,079,619, A>T. VCF-style: chr7-92079619-A-T. GRCh37 (hg19) VCF-style: chr7-91708933-A-T.
Other names: c.2131A>T, p.Asn711Tyr (NM_001379277.1); c.7462A>T, p.Asn2488Tyr (NM_147185.3); c.7486A>T (NM_005751.4); short protein forms N2488Y, N2496Y, N711Y.
Identifiers: ClinVar variation 1016182 (VCV001016182.10), dbSNP rs886038911, ClinGen allele CA161885521.
Genomic context (GRCh38, chr7:92,079,619, plus strand): 5'-TCCCTAGAAAATCAGACATACTTCAAATCTTTTGAAGAAAATGGCAAAGGTTCCATAATT[A>T]ATTTGGAAACAAGGTTGCTACAACTTGAGAGCACTGTTAGTGCAAAGGACTTAGAACTTA-3'
Protein context (NP_005742.4, residues 2486-2506): FEENGKGSII[Asn2496Tyr]LETRLLQLES